The following is an entry in ClinVar:

ClinVar aggregate classification (germline): Uncertain significance. Review status: criteria provided, multiple submitters, no conflicts (2 of 4 stars). 5 submissions from 5 submitters: Uncertain significance (5). Last evaluated 2024-12-31.

Conditions:
Inborn genetic diseases. Identifiers: MedGen C0950123, MeSH D030342.
Hyperkalemic periodic paralysis. Also called: Familial hyperkalemic periodic paralysis; Gamstorp disease. Identifiers: Orphanet 682, MedGen C0238357, MONDO:0008224, OMIM 170500, HP:0007215.

Allele frequency attached by ClinVar (database versions not stated): gnomAD 0.00001; TOPMed 0.00002.
gnomAD v4.1: 68 of 1,613,170 alleles (0.0042%); highest among the groups gnomAD compares: Non-Finnish European, 0.0053%; no homozygotes.

Submissions (5):

GeneDx
Classification: Uncertain significance. Last evaluated: 2024-12-31. Review status: criteria provided, single submitter. Criteria: GeneDx Variant Classification Process June 2021. Collection method: clinical testing. Allele origin: germline. Affected: yes.
Comment: Not observed at significant frequency in large population cohorts (gnomAD); In silico analysis supports that this missense variant has a deleterious effect on protein structure/function; Has not been previously published as pathogenic or benign to our knowledge

Labcorp Genetics (formerly Invitae), Labcorp
Classification: Uncertain significance for Hyperkalemic periodic paralysis. Last evaluated: 2024-06-05. Review status: criteria provided, single submitter. Criteria: Invitae Variant Classification Sherloc (09022015). Collection method: clinical testing. Allele origin: germline.
Comment: This sequence change replaces arginine, which is basic and polar, with histidine, which is basic and polar, at codon 1013 of the SCN4A protein (p.Arg1013His). This variant is present in population databases (rs578232775, gnomAD 0.003%). This variant has not been reported in the literature in individuals affected with SCN4A-related conditions. ClinVar contains an entry for this variant (Variation ID: 808308). Advanced modeling of protein sequence and biophysical properties (such as structural, functional, and spatial information, amino acid conservation, physicochemical variation, residue mobility, and thermodynamic stability) performed at Invitae indicates that this missense variant is not expected to disrupt SCN4A protein function with a negative predictive value of 80%. In summary, the available evidence is currently insufficient to determine the role of this variant in disease. Therefore, it has been classified as a Variant of Uncertain Significance.

Ambry Genetics
Classification: Uncertain significance for Inborn genetic diseases. Last evaluated: 2023-11-07. Review status: criteria provided, single submitter. Criteria: Ambry Variant Classification Scheme 2023. Collection method: clinical testing. Allele origin: germline.

Revvity Omics, Revvity
Classification: Uncertain significance. Last evaluated: 2023-06-30. Review status: criteria provided, single submitter. Criteria: ACMG Guidelines, 2015. Collection method: clinical testing. Allele origin: germline.

CeGaT Center for Human Genetics Tuebingen
Classification: Uncertain significance. Last evaluated: 2016-05-01. Review status: criteria provided, single submitter. Criteria: CeGaT Center For Human Genetics Tuebingen Variant Classification Criteria Version 2. Collection method: clinical testing. Allele origin: germline. Affected: yes. Observed: 1 variant allele.

NM_000334.4(SCN4A):c.3038G>A (p.Arg1013His)

Genes: GH-LCR (growth hormone locus control region; plus strand), SCN4A (sodium voltage-gated channel alpha subunit 4; minus strand). Cytogenetic location: 17q23.3.
Variant type: single nucleotide variant.
Coding change: c.3038G>A on transcript NM_000334.4 (MANE Select); coding-DNA position 3038, G replaced by A.
Protein change: p.Arg1013His; replaces arginine 1013 with histidine.
Molecular consequence: missense variant.
Genome position (GRCh38, 1-based): chr17:63,948,717, C>T on the plus strand (G>A on the coding strand, the complement: SCN4A is on the minus strand). VCF-style: chr17-63948717-C-T. GRCh37 (hg19) VCF-style: chr17-62026077-C-T.
Other names: short protein forms R1013H.
Identifiers: ClinVar variation 808308 (VCV000808308.52), dbSNP rs578232775, ClinGen allele CA8709406.
Genomic context (GRCh38, chr17:63,948,717, plus strand): 5'-AACCAGTTGTGCTCGACAATCTTGAAGCAGGCCCTGCGCAGAGTCCACCACTTCTTCCCA[C>T]GGCCCTGGGAGATGTCCACGTAGAGGCAGGGCCAGCGCTGCACGCAGGCTGATGGGGTGA-3'
Protein context (NP_000325.4, residues 1003-1023): PCLYVDISQG[Arg1013His]GKKWWTLRRA